The following is an entry in ClinVar:

ClinVar aggregate classification (germline): Uncertain significance (1 of 4 stars; one submission).

Submission:

Labcorp Genetics (formerly Invitae), Labcorp
Classification: Uncertain significance. Last evaluated: 2024-02-17. Review status: criteria provided, single submitter. Criteria: Invitae Variant Classification Sherloc (09022015). Collection method: clinical testing. Allele origin: germline.
Comment: This sequence change replaces glutamine, which is neutral and polar, with lysine, which is basic and polar, at codon 270 of the CDH2 protein (p.Gln270Lys). This variant is not present in population databases (gnomAD no frequency). This variant has not been reported in the literature in individuals affected with CDH2-related conditions. ClinVar contains an entry for this variant (Variation ID: 1466779). An algorithm developed to predict the effect of missense changes on protein structure and function (PolyPhen-2) suggests that this variant is likely to be tolerated. In summary, the available evidence is currently insufficient to determine the role of this variant in disease. Therefore, it has been classified as a Variant of Uncertain Significance.

NM_001792.5(CDH2):c.808C>A (p.Gln270Lys)

Gene: CDH2 (cadherin 2; minus strand). Cytogenetic location: 18q12.1.
Variant type: single nucleotide variant.
Coding change: c.808C>A on transcript NM_001792.5 (MANE Select); coding-DNA position 808, C replaced by A.
Protein change: p.Gln270Lys; replaces glutamine 270 with lysine.
Molecular consequence: missense variant.
Genome position (GRCh38, 1-based): chr18:28,005,888, G>T on the plus strand (C>A on the coding strand, the complement: CDH2 is on the minus strand). VCF-style: chr18-28005888-G-T. GRCh37 (hg19) VCF-style: chr18-25585852-G-T.
Other names: c.715C>A, p.Gln239Lys (NM_001308176.2); short protein forms Q270K, Q239K.
Identifiers: ClinVar variation 1466779 (VCV001466779.8), dbSNP rs2144017746, ClinGen allele CA402243129.